The following is an entry in ClinVar:

ClinVar aggregate classification (germline): Uncertain significance (1 of 4 stars; one submission).

Conditions:
Cardiovascular phenotype. Identifiers: MedGen CN230736.

gnomAD v4.1: 1 of 1,613,920 alleles (0.000062%); no homozygotes.

Submission:

Ambry Genetics
Classification: Uncertain significance for Cardiovascular phenotype. Last evaluated: 2025-05-17. Review status: criteria provided, single submitter. Criteria: Ambry Variant Classification Scheme 2023. Collection method: clinical testing. Allele origin: germline.
Comment: The p.A183S variant (also known as c.547G>T), located in coding exon 5 of the SPRED1 gene, results from a G to T substitution at nucleotide position 547. The alanine at codon 183 is replaced by serine, an amino acid with similar properties. This amino acid position is conserved. In addition, this alteration is predicted to be tolerated by in silico analysis. Based on the available evidence, the clinical significance of this variant remains unclear.

NM_152594.3(SPRED1):c.547G>T (p.Ala183Ser)

Gene: SPRED1 (sprouty related EVH1 domain containing 1; plus strand). Cytogenetic location: 15q14.
Variant type: single nucleotide variant.
Coding change: c.547G>T on transcript NM_152594.3 (MANE Select); coding-DNA position 547, G replaced by T.
Protein change: p.Ala183Ser; replaces alanine 183 with serine.
Molecular consequence: missense variant.
Genome position (GRCh38, 1-based): chr15:38,339,860, G>T. VCF-style: chr15-38339860-G-T. GRCh37 (hg19) VCF-style: chr15-38632061-G-T.
Other names: short protein forms A183S.
Identifiers: ClinVar variation 3961394 (VCV003961394.1).